The following is an entry in ClinVar:

NM_003504.5(CDC45):c.341A>G (p.Gln114Arg)

Gene: CDC45 (cell division cycle 45; plus strand). Cytogenetic location: 22q11.21.
Variant type: single nucleotide variant.
Coding change: c.341A>G on transcript NM_003504.5 (MANE Select); coding-DNA position 341, A replaced by G.
Protein change: p.Gln114Arg; replaces glutamine 114 with arginine.
Molecular consequence: missense variant. On other transcripts: non-coding transcript variant (1), intron variant (1).
Genome position (GRCh38, 1-based): chr22:19,482,826, A>G. VCF-style: chr22-19482826-A-G. GRCh37 (hg19) VCF-style: chr22-19470349-A-G.
Other names: c.341A>G, p.Gln114Arg (NM_001178010.2); c.305A>G, p.Gln102Arg (NM_001369291.1); c.205-1036A>G (NM_001178011.2); short protein forms Q102R, Q114R.
Identifiers: ClinVar variation 4536573 (VCV004536573.1).

ClinVar aggregate classification (germline): Uncertain significance (1 of 4 stars; one submission).

gnomAD v4.1: 1 of 1,613,916 alleles (0.000062%); highest among the groups gnomAD compares: African/African-American, 0.0013%; no homozygotes.

Submission:

GeneDx
Classification: Uncertain significance. Last evaluated: 2025-06-04. Review status: criteria provided, single submitter. Criteria: GeneDx Variant Classification Process June 2021. Collection method: clinical testing. Allele origin: germline. Affected: yes.
Comment: Not observed at significant frequency in large population cohorts (gnomAD); In silico analysis supports that this missense variant has a deleterious effect on protein structure/function; In silico analysis supports a deleterious effect on splicing; Has not been previously published as pathogenic or benign to our knowledge